The following is an entry in ClinVar:

NM_018055.5(NODAL):c.502G>T (p.Ala168Ser)

Gene: NODAL (nodal growth differentiation factor; minus strand). Cytogenetic location: 10q22.1.
Variant type: single nucleotide variant.
Coding change: c.502G>T on transcript NM_018055.5 (MANE Select); coding-DNA position 502, G replaced by T.
Protein change: p.Ala168Ser; replaces alanine 168 with serine.
Molecular consequence: missense variant.
Genome position (GRCh38, 1-based): chr10:70,435,675, C>A on the plus strand (G>T on the coding strand, the complement: NODAL is on the minus strand). VCF-style: chr10-70435675-C-A. GRCh37 (hg19) VCF-style: chr10-72195431-C-A.
Other names: c.103G>T, p.Ala35Ser (NM_001329906.2); short protein forms A168S, A35S.
Identifiers: ClinVar variation 3061054 (VCV003061054.2), dbSNP rs2493086442, ClinGen allele CA376946179.

ClinVar aggregate classification (germline): Uncertain significance (0 of 4 stars; one submission).

Conditions:
NODAL-related disorder. Also called: NODAL-related disorders; NODAL-related condition. Identifiers: MedGen CN239298.

Submission:

PreventionGenetics, part of Exact Sciences
Classification: Uncertain significance for NODAL-related condition. Last evaluated: 2024-02-29. Review status: no assertion criteria provided. Collection method: clinical testing. Allele origin: germline.
Comment: The NODAL c.502G>T variant is predicted to result in the amino acid substitution p.Ala168Ser. To our knowledge, this variant has not been reported in the literature or in a large population database, indicating this variant is rare. Although we suspect that this variant may be pathogenic, at this time, the clinical significance of this variant is uncertain due to the absence of conclusive functional and genetic evidence.